The following is an entry in ClinVar:

NM_000383.4(AIRE):c.308-1G>C

Gene: AIRE (autoimmune regulator; plus strand). Cytogenetic location: 21q22.3.
Variant type: single nucleotide variant.
Coding change: c.308-1G>C on transcript NM_000383.4 (MANE Select); the canonical splice acceptor site of the intron before coding-DNA position 308, G replaced by C.
Molecular consequence: splice acceptor variant.
Genome position (GRCh38, 1-based): chr21:44,286,977, G>C. VCF-style: chr21-44286977-G-C. GRCh37 (hg19) VCF-style: chr21-45706860-G-C.
Identifiers: ClinVar variation 1479068 (VCV001479068.6), dbSNP rs764588340, ClinGen allele CA10051528.

ClinVar aggregate classification (germline): Likely pathogenic (1 of 4 stars; one submission).

Conditions:
Polyglandular autoimmune syndrome, type 1 (APS1). Also called: Autoimmune polyendocrinopathy syndrome, type I; Autoimmune polyendocrinopathy syndrome , type I, with or without reversible metaphyseal dysplasia; PGA I; AUTOIMMUNE POLYENDOCRINE SYNDROME, TYPE I, WITH OR WITHOUT REVERSIBLE METAPHYSEAL DYSPLASIA; HYPOADRENOCORTICISM WITH HYPOPARATHYROIDISM AND SUPERFICIAL MONILIASIS; Autoimmune polyendocrine syndrome type 1. Identifiers: Orphanet 3453, MedGen C0085859, MONDO:0009411, OMIM 240300.

Allele frequency attached by ClinVar (database versions not stated): gnomAD exomes below 0.00001 and 0.00001; ExAC 0.00001.
gnomAD v4.1: 3 of 1,612,814 alleles (0.00019%); highest among the groups gnomAD compares: South Asian, 0.0022%; no homozygotes.

Submission:

Labcorp Genetics (formerly Invitae), Labcorp
Classification: Likely pathogenic for Polyglandular autoimmune syndrome, type 1. Last evaluated: 2021-12-03. Review status: criteria provided, single submitter. Criteria: Invitae Variant Classification Sherloc (09022015). Collection method: clinical testing. Allele origin: germline.
Comment: This variant is present in population databases (rs764588340, gnomAD 0.007%). This sequence change affects an acceptor splice site in intron 2 of the AIRE gene. It is expected to disrupt RNA splicing. Variants that disrupt the donor or acceptor splice site typically lead to a loss of protein function (PMID: 16199547), and loss-of-function variants in AIRE are known to be pathogenic (PMID: 11524731, 26141571). This variant has not been reported in the literature in individuals affected with AIRE-related conditions. Algorithms developed to predict the effect of sequence changes on RNA splicing suggest that this variant may disrupt the consensus splice site. In summary, the currently available evidence indicates that the variant is pathogenic, but additional data are needed to prove that conclusively. Therefore, this variant has been classified as Likely Pathogenic.

Literature cited by the submitters: PubMed 16199547; PubMed 11524731; PubMed 26141571.